The following is an entry in ClinVar:

ClinVar aggregate classification (germline): Pathogenic (1 of 4 stars; one submission).

Submission:

Ambry Genetics
Classification: Pathogenic. Last evaluated: 2026-06-01. Review status: criteria provided, single submitter. Criteria: Ambry Variant Classification Scheme 2023. Collection method: clinical testing. Allele origin: germline.
Comment: The c.241_245delTACTG (p.Y81Qfs*3) alteration, located in exon 3 (coding exon 2) of the LMX1A gene, consists of a deletion of 5 nucleotides from position 241 to 245, causing a translational frameshift with a predicted alternate stop codon after 3 amino acids. This variant is expected to result in loss of function by premature protein truncation or nonsense-mediated mRNA decay. This variant was not reported in population-based cohorts in the Genome Aggregation Database (gnomAD). Based on the available evidence, this alteration is classified as pathogenic.

NM_177398.4(LMX1A):c.241_245del (p.Tyr81fs)

Gene: LMX1A (LIM homeobox transcription factor 1 alpha; minus strand). Cytogenetic location: 1q23.3.
Variant type: Deletion.
Coding change: c.241_245del on transcript NM_177398.4 (MANE Select); coding-DNA positions 241 to 245, 5 bases deleted (TACTG; older notation c.241_245delTACTG).
Protein change: p.Tyr81fs; shifts the reading frame from tyrosine 81.
Molecular consequence: frameshift variant.
Genome position (GRCh38, 1-based): chr1:165,353,094-165,353,098, CAGTA deleted on the plus strand (TACTG on the coding strand, the reverse complement: LMX1A is on the minus strand); deleting any 5 consecutive bases within chr1:165,353,094-165,353,101 gives the same sequence; the c. name uses the placement nearest the transcript's 3' end. VCF-style (leftmost placement, unchanged base first): chr1-165353093-GCAGTA-G. GRCh37 (hg19) VCF-style: chr1-165322330-GCAGTA-G.
Other names: c.241_245del, p.Tyr81fs (NM_001174069.2); short protein forms Y81fs.
Identifiers: ClinVar variation 4047893 (VCV004047893.2).